The following is an entry in ClinVar:

ClinVar aggregate classification (germline): Uncertain significance (1 of 4 stars; one submission).

Conditions:
2-aminoadipic 2-oxoadipic aciduria (AAKAD). Also called: Aminoadipic aciduria; ALPHA-AMINOADIPIC AND ALPHA-KETOADIPIC ACIDURIA. Identifiers: Orphanet 79154, MedGen C1859817, MONDO:0008774, OMIM 204750.

Allele frequency attached by ClinVar (database versions not stated): gnomAD exomes below 0.00001.

Submission:

Labcorp Genetics (formerly Invitae), Labcorp
Classification: Uncertain significance for 2-aminoadipic 2-oxoadipic aciduria. Last evaluated: 2022-08-13. Review status: criteria provided, single submitter. Criteria: Invitae Variant Classification Sherloc (09022015). Collection method: clinical testing. Allele origin: germline.
Comment: This sequence change replaces alanine, which is neutral and non-polar, with valine, which is neutral and non-polar, at codon 502 of the DHTKD1 protein (p.Ala502Val). This variant is not present in population databases (gnomAD no frequency). This variant has not been reported in the literature in individuals affected with DHTKD1-related conditions. Algorithms developed to predict the effect of missense changes on protein structure and function (SIFT, PolyPhen-2, Align-GVGD) all suggest that this variant is likely to be tolerated. In summary, the available evidence is currently insufficient to determine the role of this variant in disease. Therefore, it has been classified as a Variant of Uncertain Significance.

NM_018706.7(DHTKD1):c.1505C>T (p.Ala502Val)

Gene: DHTKD1 (dehydrogenase E1 and transketolase domain containing 1; plus strand). Cytogenetic location: 10p14.
Variant type: single nucleotide variant.
Coding change: c.1505C>T on transcript NM_018706.7 (MANE Select); coding-DNA position 1505, C replaced by T.
Protein change: p.Ala502Val; replaces alanine 502 with valine.
Molecular consequence: missense variant.
Genome position (GRCh38, 1-based): chr10:12,097,830, C>T. VCF-style: chr10-12097830-C-T. GRCh37 (hg19) VCF-style: chr10-12139829-C-T.
Other names: short protein forms A502V.
Identifiers: ClinVar variation 1907156 (VCV001907156.5), dbSNP rs2491491772, ClinGen allele CA376021433.
Genomic context (GRCh38, chr10:12,097,830, plus strand): 5'-CCTCCTACTATGCCAAGTTGAATGATCACTTAAATAACATGGCCCACTACAGGCCCCCTG[C>T]CCTGAACCTGCAGGCCCACTGGCAGGGCCTGGCTCAGCCAGAAGCGCAAATCACCACCTG-3'
Protein context (NP_061176.4, residues 492-512): LNNMAHYRPP[Ala502Val]LNLQAHWQGL